The following is an entry in ClinVar:

ClinVar aggregate classification (germline): Likely pathogenic (1 of 4 stars; one submission).

Conditions:
Blepharophimosis - intellectual disability syndrome, SBBYS type (SBBYSS). Also called: Say-Barber-Biesecker variant of Ohdo syndrome (SBBYSS); Say-Barber-Biesecker-Young-Simpson syndrome; Say-Barber-Biesecker-Young-Simpson variant of Ohdo Syndrome; Say-Barber-Biesecker Variant of Ohdo Syndrome; Ohdo syndrome, SBBYS variant; SBBYSS syndrome. Identifiers: Orphanet 3047, MedGen C1863557, MONDO:0011365, OMIM 603736.

Submission:

Laboratorio de Genetica e Diagnostico Molecular, Hospital Israelita Albert Einstein
Classification: Likely pathogenic for Blepharophimosis - intellectual disability syndrome, SBBYS type. Last evaluated: 2021-05-07. Review status: criteria provided, single submitter. Criteria: ACMG Guidelines, 2015. Collection method: clinical testing. Allele origin: germline. Affected: yes.
Comment: ACMG classification criteria: PVS1, PM2

NM_012330.4(KAT6B):c.4391_4392del (p.Val1464fs)

Gene: KAT6B (lysine acetyltransferase 6B; plus strand). Cytogenetic location: 10q22.2.
Variant type: Microsatellite.
Coding change: c.4391_4392del on transcript NM_012330.4 (MANE Select); coding-DNA positions 4391 to 4392, 2 bases deleted (TG; older notation c.4391_4392delTG).
Protein change: p.Val1464fs; shifts the reading frame from valine 1464.
Molecular consequence: frameshift variant.
Genome position (GRCh38, 1-based): chr10:75,029,215-75,029,216, TG deleted; deleting any 2 consecutive bases within chr10:75,029,213-75,029,216 gives the same sequence; the c. name uses the placement nearest the transcript's 3' end. VCF-style (leftmost placement, unchanged base first): chr10-75029212-ATG-A. GRCh37 (hg19) VCF-style: chr10-76788970-ATG-A.
Other names: c.3515_3516del, p.Val1172fs (NM_001370139.1, NM_001370140.1, NM_001370141.1 and 2 more transcripts); c.3326_3327del, p.Val1109fs (NM_001370143.1, NM_001370144.1); c.3842_3843del, p.Val1281fs (NM_001256468.2, NM_001370138.1); c.3353_3354del, p.Val1118fs (NM_001370132.1); c.2702_2703del, p.Val901fs (NM_001370133.1); c.2306_2307del, p.Val769fs (NM_001370134.1); c.2048_2049del, p.Val683fs (NM_001370135.1); c.4391_4392del, p.Val1464fs (NM_001370136.1, NM_001370137.1); short protein forms V1109fs, V1118fs, V1172fs, V1281fs, V1464fs, V683fs, V769fs, V901fs.
Identifiers: ClinVar variation 1683556 (VCV001683556.2), dbSNP rs2134240152, ClinGen allele CA2580615516.
Genomic context (GRCh38, chr10:75,029,212, plus strand): 5'-AGCTGCCCAGAGAAAGCTTCAAAGAAGTACTGGAAAACCAGGAGACTTTTTTAGACCTTA[ATG>A]TGCAGCCTGGTCACTCGAACCCAGAGGTCTTAATGGACTGTGGCGTCGACCTGACAGCTT-3'